The following is an entry in ClinVar:

ClinVar aggregate classification (germline): Conflicting classifications of pathogenicity. Review status: criteria provided, conflicting classifications (1 of 4 stars). 2 submissions from 2 submitters: Uncertain significance (1); Likely benign (1). Last evaluated 2025-12-10.

Conditions:
Ehlers-Danlos syndrome, classic type, 1 (EDSCL1). Also called: EHLERS-DANLOS SYNDROME, GRAVIS TYPE; EHLERS-DANLOS SYNDROME, SEVERE CLASSIC TYPE; EDS I; Ehlers-Danlos Syndrome, Classic Type, COL5A1-Related; Ehlers-Danlos syndrome, type 1. Identifiers: MedGen C0268335, MONDO:0019567, OMIM 130000.
Familial thoracic aortic aneurysm and aortic dissection (TAAD). Also called: Thoracic aortic aneurysms and dissections. Identifiers: Orphanet 91387, MedGen C4707243, MONDO:0019625.

Allele frequency attached by ClinVar (database versions not stated): TOPMed 0.00001.
gnomAD v4.1: 16 of 1,614,048 alleles (0.00099%); highest among the groups gnomAD compares: South Asian, 0.0022%; no homozygotes.

Submissions (2):

Ambry Genetics
Classification: Uncertain significance for Familial thoracic aortic aneurysm and aortic dissection. Last evaluated: 2025-12-10. Review status: criteria provided, single submitter. Criteria: Ambry Variant Classification Scheme 2023. Collection method: clinical testing. Allele origin: germline.
Comment: The p.R1585L variant (also known as c.4754G>T), located in coding exon 62 of the COL5A1 gene, results from a G to T substitution at nucleotide position 4754. The arginine at codon 1585 is replaced by leucine, an amino acid with dissimilar properties. This amino acid position is highly conserved in available vertebrate species. In addition, this alteration is predicted to be deleterious by in silico analysis. Based on the available evidence, the clinical significance of this variant remains unclear.

Labcorp Genetics (formerly Invitae), Labcorp
Classification: Likely benign for Ehlers-Danlos syndrome, classic type, 1. Last evaluated: 2024-04-22. Review status: criteria provided, single submitter. Criteria: Invitae Variant Classification Sherloc (09022015). Collection method: clinical testing. Allele origin: germline.

NM_000093.5(COL5A1):c.4754G>T (p.Arg1585Leu)

Genes: COL5A1 (collagen type V alpha 1 chain; plus strand), LOC101448202 (uncharacterized LOC101448202; minus strand). Cytogenetic location: 9q34.3.
Variant type: single nucleotide variant.
Coding change: c.4754G>T on transcript NM_000093.5 (MANE Select); coding-DNA position 4754, G replaced by T.
Protein change: p.Arg1585Leu; replaces arginine 1585 with leucine.
Molecular consequence: missense variant.
Genome position (GRCh38, 1-based): chr9:134,824,655, G>T. VCF-style: chr9-134824655-G-T. GRCh37 (hg19) VCF-style: chr9-137716501-G-T.
Other names: c.4754G>T, p.Arg1585Leu (NM_001278074.1); c.4754G>T (NM_000093.3); short protein forms R1585L.
Identifiers: ClinVar variation 1020276 (VCV001020276.11), dbSNP rs531431738, ClinGen allele CA5320469.